The following is an entry in ClinVar:

ClinVar aggregate classification (germline): Pathogenic. Review status: criteria provided, multiple submitters, no conflicts (2 of 4 stars). 3 submissions from 3 submitters: Pathogenic (3). Last evaluated 2023-08-03.

Conditions:
Hereditary spastic paraplegia 4. Also called: Spastic Paraplegia 4; Familial spastic paraplegia autosomal dominant 2; Spastic paraplegia 4, autosomal dominant. Identifiers: Orphanet 100985, MedGen C1866855, MONDO:0008438, OMIM 182601.

Allele frequency attached by ClinVar (database versions not stated): gnomAD exomes below 0.00001.
gnomAD v4.1: 1 of 1,612,868 alleles (0.000062%); highest among the groups gnomAD compares: Admixed American, 0.0017%; no homozygotes.

Submissions (3):

Labcorp Genetics (formerly Invitae), Labcorp
Classification: Pathogenic for Hereditary spastic paraplegia 4. Last evaluated: 2023-08-03. Review status: criteria provided, single submitter. Criteria: Invitae Variant Classification Sherloc (09022015). Collection method: clinical testing. Allele origin: germline.
Comment: For these reasons, this variant has been classified as Pathogenic. Variants that disrupt the consensus splice site are a relatively common cause of aberrant splicing (PMID: 17576681, 9536098). Studies have shown that this missense change results in skipping of exon 5 and introduces a premature termination codon (PMID: 11309678). The resulting mRNA is expected to undergo nonsense-mediated decay. An algorithm developed to predict the effect of missense changes on protein structure and function (PolyPhen-2) suggests that this variant is likely to be tolerated. ClinVar contains an entry for this variant (Variation ID: 1807003). This missense change has been observed in individual(s) with hereditary spastic paraplegia (PMID: 11309678, 30476002). This variant is present in population databases (no rsID available, gnomAD 0.003%). This sequence change replaces lysine, which is basic and polar, with asparagine, which is neutral and polar, at codon 290 of the SPAST protein (p.Lys290Asn). RNA analysis indicates that this missense change induces altered splicing and may result in an absent or disrupted protein product.

CeGaT Center for Human Genetics Tuebingen
Classification: Pathogenic. Last evaluated: 2023-01-01. Review status: criteria provided, single submitter. Criteria: CeGaT Center For Human Genetics Tuebingen Variant Classification Criteria Version 2. Collection method: clinical testing. Allele origin: germline. Affected: yes. Observed: 1 variant allele.
Comment: SPAST: PS1, PM2, PM5, PP3, PS3:Supporting

Athena Diagnostics
Classification: Pathogenic. Last evaluated: 2022-06-16. Review status: criteria provided, single submitter. Criteria: Athena Diagnostics Criteria. Collection method: clinical testing. Allele origin: unknown.
Comment: The frequency of this variant in the general population is consistent with pathogenicity. This variant has been identified in at least one individual with clinical features associated with this gene. This variant results in the same amino acid change as another variant considered to be pathogenic or likely pathogenic, strongly indicating this variant may also cause disease. Computational tools yielded predictions that this variant may interfere with normal RNA splicing.

Literature cited by the submitters: PubMed 17576681 (cited by Labcorp Genetics (formerly Invitae), Labcorp); PubMed 9536098 (cited by Labcorp Genetics (formerly Invitae), Labcorp); PubMed 11309678 (cited by Labcorp Genetics (formerly Invitae), Labcorp and Athena Diagnostics); PubMed 30476002 (cited by Labcorp Genetics (formerly Invitae), Labcorp and Athena Diagnostics); PubMed 22027136 (cited by Athena Diagnostics).

NM_014946.4(SPAST):c.870G>C (p.Lys290Asn)

Gene: SPAST (spastin; plus strand). Cytogenetic location: 2p22.3.
Variant type: single nucleotide variant.
Coding change: c.870G>C on transcript NM_014946.4 (MANE Select); coding-DNA position 870, G replaced by C.
Protein change: p.Lys290Asn; replaces lysine 290 with asparagine.
Molecular consequence: missense variant.
Genome position (GRCh38, 1-based): chr2:32,114,825, G>C. VCF-style: chr2-32114825-G-C. GRCh37 (hg19) VCF-style: chr2-32339894-G-C.
Other names: c.867G>C, p.Lys289Asn (NM_001363823.2); c.771G>C, p.Lys257Asn (NM_001363875.2); c.774G>C, p.Lys258Asn (NM_001377959.1, NM_199436.2); short protein forms K257N, K258N, K289N, K290N.
Identifiers: ClinVar variation 1807003 (VCV001807003.32), dbSNP rs1421791559, ClinGen allele CA346498938.